The following is an entry in ClinVar:

ClinVar aggregate classification (germline): Uncertain significance. Review status: criteria provided, multiple submitters, no conflicts (2 of 4 stars). 4 submissions from 4 submitters: Uncertain significance (4). Last evaluated 2024-09-24.

Conditions:
Familial isolated arrhythmogenic right ventricular dysplasia. Identifiers: Orphanet 217656, MedGen C4274968, MONDO:0016342.
Cardiovascular phenotype. Identifiers: MedGen CN230736.
Cardiomyopathy (CMYO). Also called: Cardiomyopathies. Identifiers: Orphanet 167848, MedGen C0878544, MONDO:0004994, HP:0001638. Inheritance: Various modes of inheritance.
Arrhythmogenic right ventricular dysplasia 11. Also called: Arrhythmogenic right ventricular dysplasia 11 with mild palmoplantar keratoderma and woolly hair; Arrhythmogenic Right Ventricular Dysplasia/Cardiomyopathy11; ARRHYTHMOGENIC RIGHT VENTRICULAR DYSPLASIA, FAMILIAL, 11. Identifiers: MedGen C1864850, MONDO:0012506, OMIM 610476.

gnomAD v4.1: 1 of 1,613,814 alleles (0.000062%); highest among the groups gnomAD compares: Non-Finnish European, 0.000085%; no homozygotes.

Submissions (4):

Ambry Genetics
Classification: Uncertain significance for Cardiovascular phenotype. Last evaluated: 2024-09-24. Review status: criteria provided, single submitter. Criteria: Ambry Variant Classification Scheme 2023. Collection method: clinical testing. Allele origin: germline.
Comment: The p.T216I variant (also known as c.647C>T), located in coding exon 6 of the DSC2 gene, results from a C to T substitution at nucleotide position 647. The threonine at codon 216 is replaced by isoleucine, an amino acid with similar properties. This amino acid position is conserved. In addition, this alteration is predicted to be tolerated by in silico analysis. Based on the available evidence, the clinical significance of this variant remains unclear.

Color Diagnostics, LLC DBA Color Health
Classification: Uncertain significance for Cardiomyopathy. Last evaluated: 2024-03-06. Review status: criteria provided, single submitter. Criteria: ACMG Guidelines, 2015. Collection method: clinical testing. Allele origin: germline.
Comment: This missense variant replaces threonine with isoleucine at codon 216 of the DSC2 protein. Computational prediction suggests that this variant may not impact protein structure and function (internally defined REVEL score threshold <= 0.5, PMID: 27666373). To our knowledge, functional studies have not been reported for this variant. This variant has not been reported in individuals affected with cardiovascular disorders in the literature. This variant has been identified in 1/251196 chromosomes in the general population by the Genome Aggregation Database (gnomAD). The available evidence is insufficient to determine the role of this variant in disease conclusively. Therefore, this variant is classified as a Variant of Uncertain Significance.

All of Us Research Program, National Institutes of Health
Classification: Uncertain significance for Familial isolated arrhythmogenic right ventricular dysplasia. Last evaluated: 2023-11-20. Review status: criteria provided, single submitter. Criteria: ACMG Guidelines, 2015. Collection method: clinical testing. Allele origin: germline. Inheritance: Autosomal dominant inheritance. Observed: 1 variant allele, 1 heterozygote.
Comment: This missense variant replaces threonine with isoleucine at codon 216 of the DSC2 protein. Computational prediction suggests that this variant may not impact protein structure and function (internally defined REVEL score threshold <= 0.5, PMID: 27666373). To our knowledge, functional studies have not been reported for this variant. This variant has not been reported in individuals affected with cardiovascular disorders in the literature. This variant has been identified in 1/251196 chromosomes in the general population by the Genome Aggregation Database (gnomAD). The available evidence is insufficient to determine the role of this variant in disease conclusively. Therefore, this variant is classified as a Variant of Uncertain Significance.

This study involves interpretation of variants in research participants for the purpose of population health screening. Participant phenotype was not available at the time of variant classification. Additional details can be found in publication PMID: 35346344, PMCID: PMC8962531

Labcorp Genetics (formerly Invitae), Labcorp
Classification: Uncertain significance for Arrhythmogenic right ventricular dysplasia 11. Last evaluated: 2021-04-17. Review status: criteria provided, single submitter. Criteria: Invitae Variant Classification Sherloc (09022015). Collection method: clinical testing. Allele origin: germline.
Comment: This variant has not been reported in the literature in individuals with DSC2-related conditions. In summary, the available evidence is currently insufficient to determine the role of this variant in disease. Therefore, it has been classified as a Variant of Uncertain Significance. Algorithms developed to predict the effect of missense changes on protein structure and function output the following: SIFT: "Tolerated"; PolyPhen-2: "Benign"; Align-GVGD: "Class C0". The isoleucine amino acid residue is found in multiple mammalian species, suggesting that this missense change does not adversely affect protein function. These predictions have not been confirmed by published functional studies and their clinical significance is uncertain. This variant is present in population databases (rs780448272, ExAC 0.002%). This sequence change replaces threonine with isoleucine at codon 216 of the DSC2 protein (p.Thr216Ile). The threonine residue is weakly conserved and there is a moderate physicochemical difference between threonine and isoleucine.

NM_024422.6(DSC2):c.647C>T (p.Thr216Ile)

Gene: DSC2 (desmocollin 2; minus strand). Cytogenetic location: 18q12.1.
Variant type: single nucleotide variant.
Coding change: c.647C>T on transcript NM_024422.6 (MANE Select); coding-DNA position 647, C replaced by T.
Protein change: p.Thr216Ile; replaces threonine 216 with isoleucine.
Molecular consequence: missense variant.
Genome position (GRCh38, 1-based): chr18:31,087,797, G>A on the plus strand (C>T on the coding strand, the complement: DSC2 is on the minus strand). VCF-style: chr18-31087797-G-A. GRCh37 (hg19) VCF-style: chr18-28667760-G-A.
Other names: c.647C>T, p.Thr216Ile (NM_004949.5); short protein forms T216I.
Identifiers: ClinVar variation 1332173 (VCV001332173.14), dbSNP rs780448272, ClinGen allele CA039244.
Genomic context (GRCh38, chr18:31,087,797, plus strand): 5'-TCATCCTCTATTTTGATTATTAGGGGCAGTGGAAGTTCTGGAGTATACCCATCTGGAGTT[G>A]TTGCAAAGGCAATTATCTGTGAAGAGAGTAAAATAAGGAGAAAAGTGAAAATAATCTTTT-3'
Protein context (NP_077740.1, residues 206-226): YESFEIIAFA[Thr216Ile]TPDGYTPELP